The following is an entry in ClinVar:

ClinVar aggregate classification (germline): Uncertain significance (1 of 4 stars; one submission).

Allele frequency attached by ClinVar (database versions not stated): ExAC 0.00001; TOPMed 0.00002; gnomAD 0.00003; gnomAD exomes 0.00004.

Submission:

Labcorp Genetics (formerly Invitae), Labcorp
Classification: Uncertain significance. Last evaluated: 2023-12-01. Review status: criteria provided, single submitter. Criteria: Invitae Variant Classification Sherloc (09022015). Collection method: clinical testing. Allele origin: germline.
Comment: This sequence change replaces aspartic acid, which is acidic and polar, with glycine, which is neutral and non-polar, at codon 196 of the DLL1 protein (p.Asp196Gly). This variant is present in population databases (rs753317940, gnomAD 0.002%). This variant has not been reported in the literature in individuals affected with DLL1-related conditions. An algorithm developed to predict the effect of missense changes on protein structure and function (PolyPhen-2) suggests that this variant is likely to be disruptive. In summary, the available evidence is currently insufficient to determine the role of this variant in disease. Therefore, it has been classified as a Variant of Uncertain Significance.

NM_005618.4(DLL1):c.587A>G (p.Asp196Gly)

Gene: DLL1 (delta like canonical Notch ligand 1; minus strand). Cytogenetic location: 6q27.
Variant type: single nucleotide variant.
Coding change: c.587A>G on transcript NM_005618.4 (MANE Select); coding-DNA position 587, A replaced by G.
Protein change: p.Asp196Gly; replaces aspartic acid 196 with glycine.
Molecular consequence: missense variant.
Genome position (GRCh38, 1-based): chr6:170,288,322, T>C on the plus strand (A>G on the coding strand, the complement: DLL1 is on the minus strand). VCF-style: chr6-170288322-T-C. GRCh37 (hg19) VCF-style: chr6-170597410-T-C.
Other names: short protein forms D196G.
Identifiers: ClinVar variation 2891310 (VCV002891310.3), dbSNP rs753317940, ClinGen allele CA4107108.
Genomic context (GRCh38, chr6:170,288,322, plus strand): 5'-CAGCCAGGGTTGCACACTTTCTCCCCACGCTCCCCACAGGTGAAGTGGCCGAAGGCATCG[T>C]CCCGGGGACGGCAGAAAACGGAGCAGCCCTCTCCGTAGTAGTGTTCGTCACACACGAAGC-3'
Protein context (NP_005609.3, residues 186-206): EGCSVFCRPR[Asp196Gly]DAFGHFTCGE